The following is an entry in ClinVar:

ClinVar aggregate classification (germline): Likely benign. Review status: criteria provided, multiple submitters, no conflicts (2 of 4 stars). 2 submissions from 2 submitters: Likely benign (2). Last evaluated 2026-06-07.

Conditions:
PCNT-related disorder. Also called: PCNT-related condition.

Allele frequency attached by ClinVar (database versions not stated): ExAC 0.00001; TOPMed 0.00003; gnomAD 0.00004.
gnomAD v4.1: 13 of 1,613,630 alleles (0.00081%); highest among the groups gnomAD compares: African/African-American, 0.012%; no homozygotes.

Submissions (2):

PreventionGenetics, part of Exact Sciences
Classification: Likely benign for PCNT-related condition. Last evaluated: 2026-06-07. Review status: criteria provided, single submitter. Criteria: ACMG Guidelines, 2015. Collection method: clinical testing. Allele origin: germline.
Comment: This variant is classified as likely benign based on ACMG/AMP sequence variant interpretation guidelines (Richards et al. 2015 PMID: 25741868, with internal and published modifications).

Labcorp Genetics (formerly Invitae), Labcorp
Classification: Likely benign. Last evaluated: 2024-11-05. Review status: criteria provided, single submitter. Criteria: Invitae Variant Classification Sherloc (09022015). Collection method: clinical testing. Allele origin: germline.

NM_006031.6(PCNT):c.8187C>T (p.Cys2729=)

Gene: PCNT (pericentrin; plus strand). Cytogenetic location: 21q22.3.
Variant type: single nucleotide variant.
Coding change: c.8187C>T on transcript NM_006031.6 (MANE Select); coding-DNA position 8187, C replaced by T.
Protein change: p.Cys2729=; no amino-acid change (cysteine 2729 retained).
Molecular consequence: synonymous variant.
Genome position (GRCh38, 1-based): chr21:46,431,651, C>T. VCF-style: chr21-46431651-C-T. GRCh37 (hg19) VCF-style: chr21-47851565-C-T.
Other names: c.8187C>T (NM_006031.5); c.7833C>T, p.Cys2611= (NM_001315529.2).
Identifiers: ClinVar variation 1914411 (VCV001914411.6), dbSNP rs763944158, ClinGen allele CA10080912.